The following is an entry in ClinVar:

ClinVar aggregate classification (germline): Uncertain significance (1 of 4 stars; one submission).

Allele frequency attached by ClinVar (database versions not stated): TOPMed 0.00001.

Submission:

Labcorp Genetics (formerly Invitae), Labcorp
Classification: Uncertain significance. Last evaluated: 2022-07-16. Review status: criteria provided, single submitter. Criteria: Invitae Variant Classification Sherloc (09022015). Collection method: clinical testing. Allele origin: germline.
Comment: This sequence change replaces valine, which is neutral and non-polar, with glycine, which is neutral and non-polar, at codon 80 of the PIGP protein (p.Val80Gly). This variant is not present in population databases (gnomAD no frequency). This variant has not been reported in the literature in individuals affected with PIGP-related conditions. Algorithms developed to predict the effect of missense changes on protein structure and function are either unavailable or do not agree on the potential impact of this missense change (SIFT: "Deleterious"; PolyPhen-2: "Benign"; Align-GVGD: "Class C35"). In summary, the available evidence is currently insufficient to determine the role of this variant in disease. Therefore, it has been classified as a Variant of Uncertain Significance.

NM_153682.3(PIGP):c.167T>G (p.Val56Gly)

Gene: PIGP (phosphatidylinositol glycan anchor biosynthesis class P; minus strand). Cytogenetic location: 21q22.13.
Variant type: single nucleotide variant.
Coding change: c.167T>G on transcript NM_153682.3 (MANE Select); coding-DNA position 167, T replaced by G.
Protein change: p.Val56Gly; replaces valine 56 with glycine.
Molecular consequence: missense variant.
Genome position (GRCh38, 1-based): chr21:37,067,369, A>C on the plus strand (T>G on the coding strand, the complement: PIGP is on the minus strand). VCF-style: chr21-37067369-A-C. GRCh37 (hg19) VCF-style: chr21-38439669-A-C.
Other names: c.167T>G, p.Val56Gly (NM_001320480.2); c.89T>G, p.Val30Gly (NM_016430.4); c.239T>G, p.Val80Gly (NM_153681.2); short protein forms V30G, V56G, V80G.
Identifiers: ClinVar variation 1716273 (VCV001716273.3), dbSNP rs1173978458, ClinGen allele CA409919606.